The following is an entry in ClinVar:

NM_001165963.4(SCN1A):c.3304T>C (p.Tyr1102His)

Genes: SCN1A (sodium voltage-gated channel alpha subunit 1; minus strand), LOC102724058 (uncharacterized LOC102724058; plus strand). Cytogenetic location: 2q24.3.
Variant type: single nucleotide variant.
Coding change: c.3304T>C on transcript NM_001165963.4 (MANE Select); coding-DNA position 3304, T replaced by C.
Protein change: p.Tyr1102His; replaces tyrosine 1102 with histidine.
Molecular consequence: missense variant. On other transcripts: non-coding transcript variant (2).
Genome position (GRCh38, 1-based): chr2:166,036,173, A>G on the plus strand (T>C on the coding strand, the complement: SCN1A is on the minus strand). VCF-style: chr2-166036173-A-G. GRCh37 (hg19) VCF-style: chr2-166892683-A-G.
Other names: c.3220T>C, p.Tyr1074His (NM_001165964.3, NM_001353957.2, NM_001353958.2); c.3304T>C, p.Tyr1102His (NM_001202435.3, NM_001353948.2); c.3271T>C, p.Tyr1091His (NM_001353949.2, NM_001353950.2, NM_001353951.2 and 2 more transcripts); c.3268T>C, p.Tyr1090His (NM_001353954.2, NM_001353955.2); c.3217T>C, p.Tyr1073His (NM_001353960.2); c.862T>C, p.Tyr288His (NM_001353961.2); short protein forms Y1090H, Y1091H, Y1102H, Y1073H, Y1074H, Y288H.
Identifiers: ClinVar variation 3634030 (VCV003634030.2).
Genomic context (GRCh38, chr2:166,036,173, plus strand): 5'-ATTCTCCTACAGCAATTGGTACAGTCACAGTAAGACTGGGGTTGTTTATGAATGACATGT[A>G]ATCACTTTCATCAATAATGTATTTTTCAACACTGCTGCCAGTTCCTATACCACTTGTAGT-3'
Protein context (NP_001159435.1, residues 1092-1112): VEKYIIDESD[Tyr1102His]MSFINNPSLT

ClinVar aggregate classification (germline): Uncertain significance (1 of 4 stars; one submission).

Conditions:
Early-infantile DEE. Also called: Early infantile epileptic encephalopathy; Ohtahara syndrome; Early infantile epileptic encephalopathy with suppression bursts. Identifiers: Orphanet 1934, MedGen C0393706, MONDO:0800491.

gnomAD v4.1: 2 of 1,613,982 alleles (0.00012%); highest among the groups gnomAD compares: South Asian, 0.0022%; no homozygotes.

Submission:

Labcorp Genetics (formerly Invitae), Labcorp
Classification: Uncertain significance for Early-infantile DEE. Last evaluated: 2024-07-03. Review status: criteria provided, single submitter. Criteria: Invitae Variant Classification Sherloc (09022015). Collection method: clinical testing. Allele origin: germline.
Comment: This sequence change replaces tyrosine, which is neutral and polar, with histidine, which is basic and polar, at codon 1102 of the SCN1A protein (p.Tyr1102His). This variant is not present in population databases (gnomAD no frequency). This variant has not been reported in the literature in individuals affected with SCN1A-related conditions. Advanced modeling of protein sequence and biophysical properties (such as structural, functional, and spatial information, amino acid conservation, physicochemical variation, residue mobility, and thermodynamic stability) performed at Invitae indicates that this missense variant is not expected to disrupt SCN1A protein function with a negative predictive value of 95%. In summary, the available evidence is currently insufficient to determine the role of this variant in disease. Therefore, it has been classified as a Variant of Uncertain Significance.